The following is an entry in ClinVar:

ClinVar aggregate classification (germline): Benign. Review status: criteria provided, multiple submitters, no conflicts (2 of 4 stars). 2 submissions from 2 submitters: Benign (2). Last evaluated 2018-01-12.

Conditions:
Congenital isolated adrenocorticotropic hormone deficiency. Also called: ACTH DEFICIENCY, ISOLATED; ACTH deficiency; Adrenocorticotropic hormone deficiency. Identifiers: Orphanet 199296, MedGen C0342388, MONDO:0008720, OMIM 201400, HP:0011748.

Allele frequency attached by ClinVar (database versions not stated): gnomAD exomes 0.00175; 1000 Genomes Project 0.01757; gnomAD 0.01859 and 0.01991; 1000 Genomes Project 30x 0.01874; TOPMed 0.02197.
gnomAD v4.1: 2,940 of 227,514 alleles (1.3%); highest among the groups gnomAD compares: African/African-American, 6.3%; 127 homozygotes.

Submissions (2):

Illumina Laboratory Services, Illumina
Classification: Benign for Congenital isolated adrenocorticotropic hormone deficiency. Last evaluated: 2018-01-12. Review status: criteria provided, single submitter. Criteria: ICSL Variant Classification Criteria 13 December 2019. Collection method: clinical testing. Allele origin: germline.
Comment: This variant was observed in the ICSL laboratory as part of a predisposition screen in an ostensibly healthy population. It had not been previously curated by ICSL or reported in the Human Gene Mutation Database (HGMD: prior to June 1st, 2018), and was therefore a candidate for classification through an automated scoring system. Utilizing variant allele frequency, disease prevalence and penetrance estimates, and inheritance mode, an automated score was calculated to assess if this variant is too frequent to cause the disease. Based on the score and internal cut-off values, a variant classified as benign is not then subjected to further curation. The score for this variant resulted in a classification of benign for this disease.

Breakthrough Genomics
Classification: Benign. Review status: criteria provided, single submitter. Criteria: ACMG Guidelines, 2015. Collection method: not provided. Allele origin: germline. Inheritance: Autosomal recessive inheritance. Affected: yes.

NM_005149.3(TBX19):c.*469G>A

Gene: TBX19 (T-box transcription factor 19; plus strand). Cytogenetic location: 1q24.2.
Variant type: single nucleotide variant.
Coding change: c.*469G>A on transcript NM_005149.3 (MANE Select); 469 bases downstream of the stop codon, G replaced by A.
Molecular consequence: 3 prime UTR variant.
Genome position (GRCh38, 1-based): chr1:168,313,471, G>A. VCF-style: chr1-168313471-G-A. GRCh37 (hg19) VCF-style: chr1-168282709-G-A.
Identifiers: ClinVar variation 293490 (VCV000293490.6), dbSNP rs16860362, ClinGen allele CA10608618.
Genomic context (GRCh38, chr1:168,313,471, plus strand): 5'-GAAAGTATGTGTGGCCACAGGGCTCAGGTTCACACTTCTGCTTTGAGACCAGGATGGGGT[G>A]TAAGCCATAGAGTAAGGTTAACAAAAAGAATAAAGCTAATCATGTATTACAAACAGCAGT-3'